The following is an entry in ClinVar:

ClinVar aggregate classification (germline): Uncertain significance (1 of 4 stars; one submission).

Conditions:
Jeune thoracic dystrophy. Also called: Short-rib thoracic dysplasia; Jeune syndrome; Infantile thoracic dystrophy; Thoracic pelvic phalangeal dystrophy; Jeune's syndrome; Chondroectodermal dysplasia-like syndrome. Identifiers: Orphanet 474, MedGen C0265275, MONDO:0018770.
Nephronophthisis. Also called: Juvenile Nephronophthisis. Identifiers: Orphanet 655, MedGen C0687120, MONDO:0019005, HP:0000090.

Submission:

Labcorp Genetics (formerly Invitae), Labcorp
Classification: Uncertain significance for Jeune thoracic dystrophy; Nephronophthisis. Last evaluated: 2021-12-04. Review status: criteria provided, single submitter. Criteria: Invitae Variant Classification Sherloc (09022015). Collection method: clinical testing. Allele origin: germline.
Comment: This sequence change replaces isoleucine, which is neutral and non-polar, with phenylalanine, which is neutral and non-polar, at codon 658 of the TTC21B protein (p.Ile658Phe). This variant is not present in population databases (gnomAD no frequency). This variant has not been reported in the literature in individuals affected with TTC21B-related conditions. Algorithms developed to predict the effect of missense changes on protein structure and function are either unavailable or do not agree on the potential impact of this missense change (SIFT: "Deleterious"; PolyPhen-2: "Possibly Damaging"; Align-GVGD: "Class C0"). In summary, the available evidence is currently insufficient to determine the role of this variant in disease. Therefore, it has been classified as a Variant of Uncertain Significance.

NM_024753.5(TTC21B):c.1972A>T (p.Ile658Phe)

Gene: TTC21B (tetratricopeptide repeat domain 21B; minus strand). Cytogenetic location: 2q24.3.
Variant type: single nucleotide variant.
Coding change: c.1972A>T on transcript NM_024753.5 (MANE Select); coding-DNA position 1972, A replaced by T.
Protein change: p.Ile658Phe; replaces isoleucine 658 with phenylalanine.
Molecular consequence: missense variant.
Genome position (GRCh38, 1-based): chr2:165,915,367, T>A on the plus strand (A>T on the coding strand, the complement: TTC21B is on the minus strand). VCF-style: chr2-165915367-T-A. GRCh37 (hg19) VCF-style: chr2-166771877-T-A.
Other names: short protein forms I658F.
Identifiers: ClinVar variation 1477115 (VCV001477115.6), dbSNP rs2105324307, ClinGen allele CA349058897.